The following is an entry in ClinVar:

ClinVar aggregate classification (germline): Pathogenic (1 of 4 stars; one submission).

Conditions:
Thrombocytopenia 1. Also called: X-linked thrombocytopenia with normal platelets; X-Linked Thrombocytopenia (XLT); THROMBOCYTOPENIA, X-LINKED, 1. Identifiers: Orphanet 268322, Orphanet 852, MedGen C1839163, MONDO:0010743, OMIM 313900.
Wiskott-Aldrich syndrome (WAS). Also called: IMMUNODEFICIENCY 2; ALDRICH SYNDROME; Wiskott-aldrich syndrome, somatic; WISKOTT-ALDRICH SYNDROME 1. Identifiers: Orphanet 906, MedGen C0043194, MONDO:0010518, OMIM 301000.
X-linked severe congenital neutropenia (SCNX). Identifiers: Orphanet 86788, MedGen C1845987, MONDO:0010294, OMIM 300299.

Submission:

Labcorp Genetics (formerly Invitae), Labcorp
Classification: Pathogenic for Wiskott-Aldrich syndrome; X-linked severe congenital neutropenia; Thrombocytopenia 1. Last evaluated: 2022-04-15. Review status: criteria provided, single submitter. Criteria: Invitae Variant Classification Sherloc (09022015). Collection method: clinical testing. Allele origin: germline.
Comment: For these reasons, this variant has been classified as Pathogenic. Algorithms developed to predict the effect of sequence changes on RNA splicing suggest that this variant may disrupt the consensus splice site. Studies have shown that disruption of this splice site alters WAS gene expression (PMID: 9326235). Disruption of this splice site has been observed in individual(s) with Wiskott-Aldrich syndrome (PMID: 9326235). This variant is not present in population databases (gnomAD no frequency). This sequence change affects an acceptor splice site in intron 3 of the WAS gene. It is expected to disrupt RNA splicing. Variants that disrupt the donor or acceptor splice site typically lead to a loss of protein function (PMID: 16199547), and loss-of-function variants in WAS are known to be pathogenic (PMID: 15284122).

Literature cited by the submitters: PubMed 9326235; PubMed 16199547; PubMed 15284122.

NM_000377.3(WAS):c.361-1G>C

Gene: WAS (WASP actin nucleation promoting factor; plus strand). Cytogenetic location: Xp11.23.
Variant type: single nucleotide variant.
Coding change: c.361-1G>C on transcript NM_000377.3 (MANE Select); the canonical splice acceptor site of the intron before coding-DNA position 361, G replaced by C.
Molecular consequence: splice acceptor variant.
Genome position (GRCh38, 1-based): chrX:48,685,733, G>C. VCF-style: chrX-48685733-G-C. GRCh37 (hg19) VCF-style: chrX-48544122-G-C.
Identifiers: ClinVar variation 2126436 (VCV002126436.4), dbSNP rs2519280651, ClinGen allele CA412867329.